The following is an entry in ClinVar:

NM_001206927.2(DNAH8):c.1636A>G (p.Lys546Glu)

Gene: DNAH8 (dynein axonemal heavy chain 8; plus strand). Cytogenetic location: 6p21.2.
Variant type: single nucleotide variant.
Coding change: c.1636A>G on transcript NM_001206927.2 (MANE Select); coding-DNA position 1636, A replaced by G.
Protein change: p.Lys546Glu; replaces lysine 546 with glutamic acid.
Molecular consequence: missense variant.
Genome position (GRCh38, 1-based): chr6:38,770,431, A>G. VCF-style: chr6-38770431-A-G. GRCh37 (hg19) VCF-style: chr6-38738207-A-G.
Other names: c.985A>G, p.Lys329Glu (NM_001371.4); short protein forms K329E, K546E.
Identifiers: ClinVar variation 1038529 (VCV001038529.6), dbSNP rs1056745711, ClinGen allele CA137562102.

ClinVar aggregate classification (germline): Uncertain significance (1 of 4 stars; one submission).

Conditions:
Primary ciliary dyskinesia. Also called: Ciliary dyskinesia. Identifiers: Orphanet 244, MedGen C0008780, MONDO:0016575, HP:0012265.

Submission:

Labcorp Genetics (formerly Invitae), Labcorp
Classification: Uncertain significance for Primary ciliary dyskinesia. Last evaluated: 2021-08-24. Review status: criteria provided, single submitter. Criteria: Invitae Variant Classification Sherloc (09022015). Collection method: clinical testing. Allele origin: germline.
Comment: This sequence change replaces lysine with glutamic acid at codon 546 of the DNAH8 protein (p.Lys546Glu). The lysine residue is moderately conserved and there is a small physicochemical difference between lysine and glutamic acid. This variant is not present in population databases (ExAC no frequency). This variant has not been reported in the literature in individuals affected with DNAH8-related conditions. Algorithms developed to predict the effect of missense changes on protein structure and function are either unavailable or do not agree on the potential impact of this missense change (SIFT: "Deleterious"; PolyPhen-2: "Not Available"; Align-GVGD: "Class C0"). In summary, the available evidence is currently insufficient to determine the role of this variant in disease. Therefore, it has been classified as a Variant of Uncertain Significance.